The following is an entry in ClinVar:

NM_001267550.2(TTN):c.63081dup (p.Leu21028fs)

Genes: TTN-AS1 (TTN antisense RNA 1; plus strand), TTN (titin; minus strand). Cytogenetic location: 2q31.2.
Variant type: Duplication.
Coding change: c.63081dup on transcript NM_001267550.2 (MANE Select); coding-DNA position 63081, one base duplicated (T; older notation c.63081dupT).
Protein change: p.Leu21028fs; shifts the reading frame from leucine 21028.
Molecular consequence: frameshift variant.
Genome position (GRCh38, 1-based): chr2:178,588,644, A duplicated on the plus strand (T on the coding strand, the reverse complement: TTN is on the minus strand). VCF-style (leftmost placement, unchanged base first): chr2-178588643-G-GA. GRCh37 (hg19) VCF-style: chr2-179453370-G-GA.
Other names: c.58158dup, p.Leu19387fs (NM_001256850.1); c.35886dup, p.Leu11963fs (NM_003319.4); c.55377dup, p.Leu18460fs (NM_133378.4); c.36261dup, p.Leu12088fs (NM_133432.3); c.36462dup, p.Leu12155fs (NM_133437.4); short protein forms L11963fs, L18460fs, L21028fs, L12088fs, L12155fs, L19387fs.
Identifiers: ClinVar variation 2938081 (VCV002938081.3), dbSNP rs2469358365, ClinGen allele CA2586965297.

ClinVar aggregate classification (germline): Likely pathogenic (1 of 4 stars; one submission).

Conditions:
Dilated cardiomyopathy 1G (CMD1G). Identifiers: Orphanet 154, MedGen C1858763, MONDO:0011400, OMIM 604145.
Autosomal recessive limb-girdle muscular dystrophy type 2J (LGMDR10). Also called: Limb-girdle muscular dystrophy, type 2J; MUSCULAR DYSTROPHY, LIMB-GIRDLE, AUTOSOMAL RECESSIVE 10. Identifiers: Orphanet 140922, MedGen C1837342, MONDO:0012127, OMIM 608807.

Submission:

Labcorp Genetics (formerly Invitae), Labcorp
Classification: Likely pathogenic for Dilated cardiomyopathy 1G; Autosomal recessive limb-girdle muscular dystrophy type 2J. Last evaluated: 2023-04-11. Review status: criteria provided, single submitter. Criteria: Invitae Variant Classification Sherloc (09022015). Collection method: clinical testing. Allele origin: germline.
Comment: This sequence change creates a premature translational stop signal (p.Leu21028Serfs*6) in the TTN gene. While this is not anticipated to result in nonsense mediated decay, it is expected to create a truncated TTN protein. In summary, the currently available evidence indicates that the variant is pathogenic, but additional data are needed to prove that conclusively. Therefore, this variant has been classified as Likely Pathogenic. This variant is located in the A band of TTN (PMID: 25589632). Truncating variants in this region are significantly overrepresented in patients affected with dilated cardiomyopathy (PMID: 25589632). Truncating variants in this region have also been reported in individuals affected with autosomal recessive centronuclear myopathy (PMID: 23975875). This premature translational stop signal has been observed in individual(s) with clinical features of TTN-related conditions (PMID: 32778822). This variant is not present in population databases (gnomAD no frequency).

Literature cited by the submitters: PubMed 25589632; PubMed 23975875; PubMed 32778822.